The following is an entry in ClinVar:

NM_001374828.1(ARID1B):c.1290_1320del (p.Ala431fs)

Gene: ARID1B (AT-rich interaction domain 1B; plus strand). Cytogenetic location: 6q25.3.
Variant type: Deletion.
Coding change: c.1290_1320del on transcript NM_001374828.1 (MANE Select); coding-DNA positions 1290 to 1320, 31 bases deleted.
Protein change: p.Ala431fs; shifts the reading frame from alanine 431.
Molecular consequence: frameshift variant.
Genome position (GRCh38, 1-based): chr6:156,778,970-156,779,000, 31 bases deleted; deleting any 31 consecutive bases within chr6:156,778,959-156,779,000 gives the same sequence; the c. name uses the placement nearest the transcript's 3' end. GRCh37 (hg19): chr6:157,100,104-157,100,134.
Other names: c.1290_1320del, p.Ala431fs (NM_001371656.1, NM_001374820.1, NM_017519.3); c.1041_1071del31, p.Ala348Metfs (NM_020732.3); c.1041_1071del (NM_020732.3); short protein forms A431fs.
Identifiers: ClinVar variation 2502581 (VCV002502581.3), dbSNP rs1554247989, ClinGen allele CA2580615806.

ClinVar aggregate classification (germline): Pathogenic/Likely pathogenic. Review status: criteria provided, multiple submitters, no conflicts (2 of 4 stars). 2 submissions from 2 submitters: Pathogenic (1); Likely pathogenic (1). Last evaluated 2025-01-02.

Conditions:
Inborn genetic diseases. Identifiers: MedGen C0950123, MeSH D030342.

Submissions (2):

GeneDx
Classification: Pathogenic. Last evaluated: 2025-01-02. Review status: criteria provided, single submitter. Criteria: GeneDx Variant Classification Process June 2021. Collection method: clinical testing. Allele origin: germline.
Comment: Frameshift variant predicted to result in protein truncation or nonsense mediated decay in a gene for which loss-of-function is a known mechanism of disease; Not observed in large population cohorts (gnomAD); This variant is associated with the following publications: (PMID: 37500730)

Ambry Genetics
Classification: Likely pathogenic for Inborn genetic diseases. Last evaluated: 2024-03-19. Review status: criteria provided, single submitter. Criteria: Ambry Variant Classification Scheme 2023. Collection method: clinical testing. Allele origin: germline.
Comment: The c.1041_1071del31 (p.A348Mfs*11) alteration, located in exon 1 (coding exon 1) of the ARID1B gene, consists of a deletion of 31 nucleotides from position 1041 to 1071, causing a translational frameshift with a predicted alternate stop codon after 11 amino acids. This alteration is expected to result in loss of function by premature protein truncation or nonsense-mediated mRNA decay. This variant was not reported in population-based cohorts in the Genome Aggregation Database (gnomAD). Based on the available evidence, this alteration is classified as likely pathogenic.